The following is an entry in ClinVar:

ClinVar aggregate classification (germline): Uncertain significance (1 of 4 stars; one submission).

Conditions:
Hereditary cancer-predisposing syndrome. Also called: Neoplastic Syndromes, Hereditary; Tumor predisposition; Hereditary Cancer Syndrome; Hereditary neoplastic syndrome. Identifiers: Orphanet 140162, MedGen C0027672, MeSH D009386, MONDO:0015356.

gnomAD v4.1: 5 of 1,613,258 alleles (0.00031%); highest among the groups gnomAD compares: South Asian, 0.0055%; no homozygotes.

Submission:

Ambry Genetics
Classification: Uncertain significance for Hereditary cancer-predisposing syndrome. Last evaluated: 2026-03-27. Review status: criteria provided, single submitter. Criteria: Ambry Variant Classification Scheme 2023. Collection method: clinical testing. Allele origin: germline.
Comment: The p.K105N variant (also known as c.315A>T), located in coding exon 2 of the NTHL1 gene, results from an A to T substitution at nucleotide position 315. The lysine at codon 105 is replaced by asparagine, an amino acid with similar properties. This amino acid position is conserved. In addition, this alteration is predicted to be tolerated by in silico analysis. Based on the available evidence, the clinical significance of this variant remains unclear.

NM_002528.7(NTHL1):c.291A>T (p.Lys97Asn)

Gene: NTHL1 (nth like DNA glycosylase 1; minus strand). Cytogenetic location: 16p13.3.
Variant type: single nucleotide variant.
Coding change: c.291A>T on transcript NM_002528.7 (MANE Select); coding-DNA position 291, A replaced by T.
Protein change: p.Lys97Asn; replaces lysine 97 with asparagine.
Molecular consequence: missense variant. On other transcripts: intron variant (1).
Genome position (GRCh38, 1-based): chr16:2,046,191, T>A on the plus strand (A>T on the coding strand, the complement: NTHL1 is on the minus strand). VCF-style: chr16-2046191-T-A. GRCh37 (hg19) VCF-style: chr16-2096192-T-A.
Other names: c.291A>T, p.Lys97Asn (NM_001318193.2); c.24+89A>T (NM_001318194.2); short protein forms K97N.
Identifiers: ClinVar variation 4861225 (VCV004861225.1).